The following is an entry in ClinVar:

NM_016507.4(CDK12):c.2610T>A (p.Ser870Arg)

Gene: CDK12 (cyclin dependent kinase 12; plus strand). Cytogenetic location: 17q12.
Variant type: single nucleotide variant.
Coding change: c.2610T>A on transcript NM_016507.4 (MANE Select); coding-DNA position 2610, T replaced by A.
Protein change: p.Ser870Arg; replaces serine 870 with arginine.
Molecular consequence: missense variant.
Genome position (GRCh38, 1-based): chr17:39,509,705, T>A. VCF-style: chr17-39509705-T-A. GRCh37 (hg19) VCF-style: chr17-37665958-T-A.
Other names: NC_000017.10:g.37665958T>A; c.2610T>A, p.Ser870Arg (NM_015083.4); c.2610T>A (NM_016507.2); short protein forms S870R.
Identifiers: ClinVar variation 4420830 (VCV004420830.2).

ClinVar aggregate classification (germline): Uncertain significance (1 of 4 stars; one submission).

Submissions (2):

Ambry Genetics
Classification: Uncertain significance. Last evaluated: 2025-12-29. Review status: criteria provided, single submitter. Criteria: Ambry Variant Classification Scheme 2023. Collection method: clinical testing. Allele origin: germline.
Comment: The p.S870R variant (also known as c.2610T>A) is located in coding exon 7 of the CDK12 gene. The serine at codon 870 is replaced by arginine, an amino acid with dissimilar properties. This change occurs in the first base pair of coding exon 7. This amino acid position is conserved. In addition, this alteration is predicted to be tolerated by in silico analysis. Based on the available evidence, the clinical significance of this variant remains unclear.

Dr. Peter K. Rogan Lab, Western University
No classification provided (evidence only). Condition: Thyroid cancer, nonmedullary, 1. Review status: no classification provided. Collection method: in vitro. Allele origin: not applicable. Functional consequence: retained intron. Not counted in ClinVar's aggregate classification.